The following is an entry in ClinVar:

NM_006096.4(NDRG1):c.1058G>A (p.Arg353His)

Gene: NDRG1 (N-myc downstream regulated 1; minus strand). Cytogenetic location: 8q24.22.
Variant type: single nucleotide variant.
Coding change: c.1058G>A on transcript NM_006096.4 (MANE Select); coding-DNA position 1058, G replaced by A.
Protein change: p.Arg353His; replaces arginine 353 with histidine.
Molecular consequence: missense variant.
Genome position (GRCh38, 1-based): chr8:133,239,005, C>T on the plus strand (G>A on the coding strand, the complement: NDRG1 is on the minus strand). VCF-style: chr8-133239005-C-T. GRCh37 (hg19) VCF-style: chr8-134251248-C-T.
Other names: c.1058G>A, p.Arg353His (NM_001135242.2, NM_001374845.1, NM_001374846.1); c.860G>A, p.Arg287His (NM_001258432.2, NM_001374847.1); c.815G>A, p.Arg272His (NM_001258433.2); c.1109G>A, p.Arg370His (NM_001374844.1); short protein forms R287H, R272H, R353H, R370H.
Identifiers: ClinVar variation 1903343 (VCV001903343.6), dbSNP rs771613983, ClinGen allele CA4886435.
Genomic context (GRCh38, chr8:133,239,005, plus strand): 5'-TCCAGGTGGGCCCCCTCGCTGGTGTGCGAGCGGCTGCGGGTGCCCTCGCTGGTGTGGGAG[C>T]GGCTTCGGGTGCCCTCGCTGGTGTGGGAGCGGCTGCGGGTGCCATCCAGAGAAGTGACGC-3'
Protein context (NP_006087.2, residues 343-363): RSHTSEGTRS[Arg353His]SHTSEGTRSR

ClinVar aggregate classification (germline): Uncertain significance. Review status: criteria provided, multiple submitters, no conflicts (2 of 4 stars). 2 submissions from 2 submitters: Uncertain significance (2). Last evaluated 2026-01-01.

Conditions:
Charcot-Marie-Tooth disease type 4. Also called: Charcot-Marie-Tooth, Type 4; Charcot-Marie-Tooth disease, type IV. Identifiers: Orphanet 64749, MedGen C4082197, MONDO:0018995.

Allele frequency attached by ClinVar (database versions not stated): ExAC 0.00002.
gnomAD v4.1: 19 of 1,596,368 alleles (0.0012%); highest among the groups gnomAD compares: East Asian, 0.0045%; no homozygotes.

Submissions (2):

CeGaT Center for Human Genetics Tuebingen
Classification: Uncertain significance. Last evaluated: 2026-01-01. Review status: criteria provided, single submitter. Criteria: CeGaT Center For Human Genetics Tuebingen Variant Classification Criteria Version 2. Collection method: clinical testing. Allele origin: germline. Affected: yes. Observed: 1 variant allele.
Comment: NDRG1: PM2

Labcorp Genetics (formerly Invitae), Labcorp
Classification: Uncertain significance for Charcot-Marie-Tooth disease type 4. Last evaluated: 2022-09-01. Review status: criteria provided, single submitter. Criteria: Invitae Variant Classification Sherloc (09022015). Collection method: clinical testing. Allele origin: germline.
Comment: This sequence change replaces arginine, which is basic and polar, with histidine, which is basic and polar, at codon 353 of the NDRG1 protein (p.Arg353His). The frequency data for this variant in the population databases is considered unreliable, as metrics indicate poor data quality at this position in the gnomAD database. This variant has not been reported in the literature in individuals affected with NDRG1-related conditions. Algorithms developed to predict the effect of missense changes on protein structure and function are either unavailable or do not agree on the potential impact of this missense change (SIFT: "Deleterious"; PolyPhen-2: "Probably Damaging"; Align-GVGD: "Class C0"). In summary, the available evidence is currently insufficient to determine the role of this variant in disease. Therefore, it has been classified as a Variant of Uncertain Significance.